The following is an entry in ClinVar:

ClinVar aggregate classification (germline): Pathogenic (1 of 4 stars; one submission).

Conditions:
RYR1-related disorder. Also called: RYR1-related condition; RYR1-related disorders. Identifiers: MedGen CN239331.

Submission:

Labcorp Genetics (formerly Invitae), Labcorp
Classification: Pathogenic for RYR1-related disorder. Last evaluated: 2021-09-30. Review status: criteria provided, single submitter. Criteria: Invitae Variant Classification Sherloc (09022015). Collection method: clinical testing. Allele origin: germline.
Comment: For these reasons, this variant has been classified as Pathogenic. This variant has not been reported in the literature in individuals with RYR1-related conditions. This variant is a gross deletion of the genomic region encompassing exon(s) 85-89 of the RYR1 gene. This deletion is out-of-frame, and is expected to create a premature translational stop signal and result in an absent or disrupted protein product. Loss-of-function variants in RYR1 are known to be pathogenic (PMID: 20583297, 20839240, 23919265, 28818389).

Literature cited by the submitters: PubMed 20583297; PubMed 20839240; PubMed 23919265; PubMed 28818389.

NC_000019.9:g.(?_39033967)_(39039080_?)del

Gene: RYR1 (ryanodine receptor 1; plus strand). Cytogenetic location: 19q13.2.
Variant type: Deletion.
Identifiers: ClinVar variation 1459252 (VCV001459252.6).